The following is an entry in ClinVar:

NM_006915.3(RP2):c.884-2A>G

Gene: RP2 (RP2 activator of ARL3 GTPase; plus strand). Cytogenetic location: Xp11.3.
Variant type: single nucleotide variant.
Coding change: c.884-2A>G on transcript NM_006915.3 (MANE Select); the canonical splice acceptor site of the intron before coding-DNA position 884, A replaced by G.
Molecular consequence: splice acceptor variant.
Genome position (GRCh38, 1-based): chrX:46,877,503, A>G. VCF-style: chrX-46877503-A-G. GRCh37 (hg19) VCF-style: chrX-46736938-A-G.
Identifiers: ClinVar variation 2737220 (VCV002737220.3), dbSNP rs2519928443, ClinGen allele CA413036145.

ClinVar aggregate classification (germline): Pathogenic (1 of 4 stars; one submission).

Submission:

Labcorp Genetics (formerly Invitae), Labcorp
Classification: Pathogenic. Last evaluated: 2023-07-19. Review status: criteria provided, single submitter. Criteria: Invitae Variant Classification Sherloc (09022015). Collection method: clinical testing. Allele origin: germline.
Comment: This variant is not present in population databases (gnomAD no frequency). This sequence change affects an acceptor splice site in intron 3 of the RP2 gene. It is expected to disrupt RNA splicing. Variants that disrupt the donor or acceptor splice site typically lead to a loss of protein function (PMID: 16199547), and loss-of-function variants in RP2 are known to be pathogenic (PMID: 11992260, 20625056). Disruption of this splice site has been observed in individuals with clinical features of retinitis pigmentosa (PMID: 18552978, 25133751, 25356976, 26448634). For these reasons, this variant has been classified as Pathogenic. Algorithms developed to predict the effect of sequence changes on RNA splicing suggest that this variant may disrupt the consensus splice site.

Literature cited by the submitters: PubMed 16199547; PubMed 11992260; PubMed 20625056; PubMed 18552978; PubMed 25133751; PubMed 25356976; PubMed 26448634.